The following is an entry in ClinVar:

NC_000002.11:g.(?_73610049)_(73680031_?)del

Gene: ALMS1 (ALMS1 centrosome and basal body associated protein; plus strand). Cytogenetic location: 2p13.1.
Variant type: Deletion.
Identifiers: ClinVar variation 2426079 (VCV002426079.4).

ClinVar aggregate classification (germline): Pathogenic (1 of 4 stars; one submission).

Conditions:
Alstrom syndrome (ALMS). Identifiers: Orphanet 64, MedGen C0268425, MONDO:0008763, OMIM 203800.

Submission:

Labcorp Genetics (formerly Invitae), Labcorp
Classification: Pathogenic for Alstrom syndrome. Last evaluated: 2023-06-11. Review status: criteria provided, single submitter. Criteria: Invitae Variant Classification Sherloc (09022015). Collection method: clinical testing. Allele origin: germline.
Comment: For these reasons, this variant has been classified as Pathogenic. This variant has not been reported in the literature in individuals affected with ALMS1-related conditions. This variant results in the deletion of exons 1-7 and part of exon 8 (c.-2947_6375del) of the ALMS1 gene. It is expected to result in an absent or disrupted protein product. Loss-of-function variants in ALMS1 are known to be pathogenic (PMID: 17594715).

Literature cited by the submitters: PubMed 17594715.